The following is an entry in ClinVar:

NM_019055.6(ROBO4):c.3001+3G>A

Gene: ROBO4 (roundabout guidance receptor 4; minus strand). Cytogenetic location: 11q24.2.
Variant type: single nucleotide variant.
Coding change: c.3001+3G>A on transcript NM_019055.6 (MANE Select); 3 bases into the intron after coding-DNA position 3001, G replaced by A.
Molecular consequence: intron variant.
Genome position (GRCh38, 1-based): chr11:124,885,038, C>T on the plus strand (G>A on the coding strand, the complement: ROBO4 is on the minus strand). VCF-style: chr11-124885038-C-T. GRCh37 (hg19) VCF-style: chr11-124754934-C-T.
Other names: c.3001+3G>A (NM_019055.5); c.2566+3G>A (NM_001301088.2).
Identifiers: ClinVar variation 2642502 (VCV002642502.26), dbSNP rs145918924, ClinGen allele CA6344447.

ClinVar aggregate classification (germline): Benign. Review status: criteria provided, multiple submitters, no conflicts (2 of 4 stars). 3 submissions from 3 submitters: Benign (2). 1 of the submissions does not count toward it. Last evaluated 2026-06-01.

Conditions:
ROBO4-related disorder. Also called: ROBO4-related condition.
Familial thoracic aortic aneurysm and aortic dissection (TAAD). Also called: Thoracic aortic aneurysms and dissections. Identifiers: Orphanet 91387, MedGen C4707243, MONDO:0019625.

Allele frequency attached by ClinVar (database versions not stated): 1000 Genomes Project 30x 0.00359; 1000 Genomes Project 0.00419; gnomAD 0.00809; TOPMed 0.00821; ESP Exome Variant Server 0.00977; gnomAD exomes 0.01043; ExAC 0.01085.

Submissions (3):

CeGaT Center for Human Genetics Tuebingen
Classification: Benign. Last evaluated: 2026-06-01. Review status: criteria provided, single submitter. Criteria: CeGaT Center For Human Genetics Tuebingen Variant Classification Criteria Version 2. Collection method: clinical testing. Allele origin: germline. Affected: yes. Observed: 9 variant alleles.
Comment: ROBO4: BP4, BS1, BS2

CHEO Genetics Diagnostic Laboratory, Children's Hospital of Eastern Ontario
Classification: Benign for Familial thoracic aortic aneurysm and aortic dissection. Last evaluated: 2023-01-04. Review status: criteria provided, single submitter. Criteria: ACMG Guidelines, 2015. Collection method: clinical testing. Allele origin: germline.

PreventionGenetics, part of Exact Sciences
Classification: Benign for ROBO4-related condition. Last evaluated: 2019-05-16. Review status: no assertion criteria provided. Collection method: clinical testing. Allele origin: germline. Not counted in ClinVar's aggregate classification.
Comment: This variant is classified as benign based on ACMG/AMP sequence variant interpretation guidelines (Richards et al. 2015 PMID: 25741868, with internal and published modifications).